The following is an entry in ClinVar:

ClinVar aggregate classification (germline): Conflicting classifications of pathogenicity. Review status: criteria provided, conflicting classifications (1 of 4 stars). 7 submissions from 7 submitters: Uncertain significance (1); Likely benign (6). Last evaluated 2025-11-22.

Conditions:
Hereditary cancer-predisposing syndrome. Also called: Tumor predisposition; Hereditary neoplastic syndrome; Hereditary Cancer Syndrome; Neoplastic Syndromes, Hereditary. Identifiers: Orphanet 140162, MedGen C0027672, MeSH D009386, MONDO:0015356.
Fanconi anemia complementation group O. Also called: RAD51C-Related Fanconi Anemia. Identifiers: Orphanet 84, MedGen C3150653, MONDO:0013248, OMIM 613390.

Allele frequency attached by ClinVar (database versions not stated): gnomAD exomes below 0.00001 and 0.00002; TOPMed below 0.00001; ExAC 0.00001.
gnomAD v4.1: 5 of 1,610,648 alleles (0.00031%); highest among the groups gnomAD compares: Middle Eastern, 0.017%; no homozygotes.

Submissions (7):

Labcorp Genetics (formerly Invitae), Labcorp
Classification: Likely benign for Fanconi anemia complementation group O. Last evaluated: 2025-11-22. Review status: criteria provided, single submitter. Criteria: Invitae Variant Classification Sherloc (09022015). Collection method: clinical testing. Allele origin: germline.

Women's Health and Genetics/Laboratory Corporation of America, LabCorp
Classification: Uncertain significance. Last evaluated: 2025-01-31. Review status: criteria provided, single submitter. Criteria: LabCorp Variant Classification Summary - May 2015. Collection method: clinical testing. Allele origin: germline.
Comment: Variant summary: RAD51C c.146-3C>T alters a conserved nucleotide located close to a canonical splice site and therefore could affect mRNA splicing, leading to a significantly altered protein sequence. Consensus agreement among computation tools predict no significant impact on normal splicing. At least one publication reports experimental evidence that this variant does not affect mRNA splicing in a minigene splicing assay (Sanoguera-Miralles_2020). The variant allele was found at a frequency of 1.6e-05 in 250394 control chromosomes. To our knowledge, no occurrence of c.146-3C>T in individuals affected with Fanconi Anemia Complementation Group O has been reported. The following publication have been ascertained in the context of this evaluation (PMID: 33333735). ClinVar contains an entry for this variant (Variation ID: 409838). Based on the evidence outlined above, the variant was classified as uncertain significance.

Blueprint Genetics
Classification: Likely benign. Last evaluated: 2024-03-19. Review status: criteria provided, single submitter. Criteria: ACMG Guidelines, 2015. Collection method: clinical testing. Allele origin: germline.

CeGaT Center for Human Genetics Tuebingen
Classification: Likely benign. Last evaluated: 2023-03-01. Review status: criteria provided, single submitter. Criteria: CeGaT Center For Human Genetics Tuebingen Variant Classification Criteria Version 2. Collection method: clinical testing. Allele origin: germline. Affected: yes. Observed: 1 variant allele.
Comment: RAD51C: BP4

Color Diagnostics, LLC DBA Color Health
Classification: Likely benign for Hereditary cancer-predisposing syndrome. Last evaluated: 2021-05-18. Review status: criteria provided, single submitter. Criteria: ACMG Guidelines, 2015. Collection method: clinical testing. Allele origin: germline.

Ambry Genetics
Classification: Likely benign for Hereditary cancer-predisposing syndrome. Last evaluated: 2019-09-27. Review status: criteria provided, single submitter. Criteria: Ambry Variant Classification Scheme 2023. Collection method: clinical testing. Allele origin: germline.

Mendelics
Classification: Likely benign for Fanconi anemia complementation group O. Last evaluated: 2019-05-28. Review status: criteria provided, single submitter. Criteria: Mendelics Assertion Criteria 2017. Collection method: clinical testing. Allele origin: unknown.

Literature cited by the submitters: PubMed 33333735 (cited by Women's Health and Genetics/Laboratory Corporation of America, LabCorp).

NM_058216.3(RAD51C):c.146-3C>T

Gene: RAD51C (RAD51 paralog C; plus strand). Cytogenetic location: 17q22.
Variant type: single nucleotide variant.
Coding change: c.146-3C>T on transcript NM_058216.3 (MANE Select); 3 bases into the intron before coding-DNA position 146, C replaced by T.
Molecular consequence: intron variant.
Genome position (GRCh38, 1-based): chr17:58,694,928, C>T. VCF-style: chr17-58694928-C-T. GRCh37 (hg19) VCF-style: chr17-56772289-C-T.
Other names: c.146-3C>T (NM_002876.4).
Identifiers: ClinVar variation 409838 (VCV000409838.46), dbSNP rs765143155, ClinGen allele CA8677176.
Genomic context (GRCh38, chr17:58,694,928, plus strand): 5'-ATTATCATGTTACACTTTTAAATCTCTAAAATTAGGGTTCTTTTTTTCTTATTTTACTTT[C>T]AGAAGTTGGGATATCTAAAGCAGAAGCCTTAGAAACTCTGCAAATTATCAGAAGAGAATG-3'